The following is an entry in ClinVar:

ClinVar aggregate classification (germline): Uncertain significance (1 of 4 stars; one submission).

Conditions:
Inborn genetic diseases. Identifiers: MedGen C0950123, MeSH D030342.

Submission:

Ambry Genetics
Classification: Uncertain significance for Inborn genetic diseases. Last evaluated: 2025-01-03. Review status: criteria provided, single submitter. Criteria: Ambry Variant Classification Scheme 2023. Collection method: clinical testing. Allele origin: germline.
Comment: The p.R611C variant (also known as c.1831C>T), located in coding exon 17 of the DDX41 gene, results from a C to T substitution at nucleotide position 1831. The arginine at codon 611 is replaced by cysteine, an amino acid with highly dissimilar properties. This amino acid position is conserved. In addition, the in silico prediction for this alteration is inconclusive. Based on the available evidence, the clinical significance of this variant remains unclear.

NM_016222.4(DDX41):c.1831C>T (p.Arg611Cys)

Gene: DDX41 (DEAD-box helicase 41; minus strand). Cytogenetic location: 5q35.3.
Variant type: single nucleotide variant.
Coding change: c.1831C>T on transcript NM_016222.4 (MANE Select); coding-DNA position 1831, C replaced by T.
Protein change: p.Arg611Cys; replaces arginine 611 with cysteine.
Molecular consequence: missense variant.
Genome position (GRCh38, 1-based): chr5:177,511,829, G>A on the plus strand (C>T on the coding strand, the complement: DDX41 is on the minus strand). VCF-style: chr5-177511829-G-A. GRCh37 (hg19) VCF-style: chr5-176938830-G-A.
Other names: c.1453C>T, p.Arg485Cys (NM_001321732.2, NM_001321830.2); short protein forms R485C, R611C.
Identifiers: ClinVar variation 3838970 (VCV003838970.1).